The following is an entry in ClinVar:

ClinVar aggregate classification (germline): Uncertain significance. Review status: criteria provided, multiple submitters, no conflicts (2 of 4 stars). 2 submissions from 2 submitters: Uncertain significance (2). Last evaluated 2026-03-11.

Conditions:
Inborn genetic diseases. Identifiers: MedGen C0950123, MeSH D030342.

Allele frequency attached by ClinVar (database versions not stated): ExAC 0.00001.
gnomAD v4.1: 5 of 1,612,640 alleles (0.00031%); highest among the groups gnomAD compares: African/African-American, 0.0013%; no homozygotes.

Submissions (2):

Ambry Genetics
Classification: Uncertain significance for Inborn genetic diseases. Last evaluated: 2026-03-11. Review status: criteria provided, single submitter. Criteria: Ambry Variant Classification Scheme 2023. Collection method: clinical testing. Allele origin: germline.
Comment: The p.R748H variant (also known as c.2243G>A), located in coding exon 14 of the CDH2 gene, results from a G to A substitution at nucleotide position 2243. The arginine at codon 748 is replaced by histidine, an amino acid with highly similar properties. This amino acid position is conserved. In addition, this alteration is predicted to be deleterious by in silico analysis. Based on the available evidence, the clinical significance of this variant remains unclear.

Labcorp Genetics (formerly Invitae), Labcorp
Classification: Uncertain significance. Last evaluated: 2021-12-09. Review status: criteria provided, single submitter. Criteria: Invitae Variant Classification Sherloc (09022015). Collection method: clinical testing. Allele origin: germline.
Comment: In summary, the available evidence is currently insufficient to determine the role of this variant in disease. Therefore, it has been classified as a Variant of Uncertain Significance. Algorithms developed to predict the effect of missense changes on protein structure and function are either unavailable or do not agree on the potential impact of this missense change (SIFT: "Deleterious"; PolyPhen-2: "Probably Damaging"; Align-GVGD: "Class C0"). This variant has not been reported in the literature in individuals affected with CDH2-related conditions. This variant is present in population databases (rs762994164, gnomAD 0.01%). This sequence change replaces arginine, which is basic and polar, with histidine, which is basic and polar, at codon 748 of the CDH2 protein (p.Arg748His).

NM_001792.5(CDH2):c.2243G>A (p.Arg748His)

Gene: CDH2 (cadherin 2; minus strand). Cytogenetic location: 18q12.1.
Variant type: single nucleotide variant.
Coding change: c.2243G>A on transcript NM_001792.5 (MANE Select); coding-DNA position 2243, G replaced by A.
Protein change: p.Arg748His; replaces arginine 748 with histidine.
Molecular consequence: missense variant.
Genome position (GRCh38, 1-based): chr18:27,983,050, C>T on the plus strand (G>A on the coding strand, the complement: CDH2 is on the minus strand). VCF-style: chr18-27983050-C-T. GRCh37 (hg19) VCF-style: chr18-25563014-C-T.
Other names: c.2150G>A, p.Arg717His (NM_001308176.2); c.2243G>A (NM_001792.3); short protein forms R748H, R717H.
Identifiers: ClinVar variation 1941081 (VCV001941081.7), dbSNP rs762994164, ClinGen allele CA8923193.